The following is an entry in ClinVar:

ClinVar aggregate classification (germline): Likely benign. Review status: criteria provided, multiple submitters, no conflicts (2 of 4 stars). 2 submissions from 2 submitters: Likely benign (2). Last evaluated 2025-06-01.

Conditions:
Perlman syndrome (PRLMNS). Identifiers: Orphanet 2849, MedGen C0796113, MONDO:0009965, OMIM 267000.

Allele frequency attached by ClinVar (database versions not stated): gnomAD exomes below 0.00001; ExAC 0.00001.
gnomAD v4.1: 2 of 1,611,884 alleles (0.00012%); highest among the groups gnomAD compares: East Asian, 0.0022%; no homozygotes.

Submissions (2):

CeGaT Center for Human Genetics Tuebingen
Classification: Likely benign. Last evaluated: 2025-06-01. Review status: criteria provided, single submitter. Criteria: CeGaT Center For Human Genetics Tuebingen Variant Classification Criteria Version 2. Collection method: clinical testing. Allele origin: germline. Affected: yes. Observed: 1 variant allele.
Comment: DIS3L2: BP4, BP7

Labcorp Genetics (formerly Invitae), Labcorp
Classification: Likely benign for Perlman syndrome. Last evaluated: 2023-11-21. Review status: criteria provided, single submitter. Criteria: Invitae Variant Classification Sherloc (09022015). Collection method: clinical testing. Allele origin: germline.

NM_152383.5(DIS3L2):c.2142C>T (p.Leu714=)

Gene: DIS3L2 (DIS3 like 3'-5' exoribonuclease 2; plus strand). Cytogenetic location: 2q37.1.
Variant type: single nucleotide variant.
Coding change: c.2142C>T on transcript NM_152383.5 (MANE Select); coding-DNA position 2142, C replaced by T.
Protein change: p.Leu714=; no amino-acid change (leucine 714 retained).
Molecular consequence: synonymous variant. On other transcripts: non-coding transcript variant (2), intron variant (1).
Genome position (GRCh38, 1-based): chr2:232,333,971, C>T. VCF-style: chr2-232333971-C-T. GRCh37 (hg19) VCF-style: chr2-233198681-C-T.
Other names: c.1582-9374C>T (NM_001257281.2).
Identifiers: ClinVar variation 3009948 (VCV003009948.13), dbSNP rs768857618, ClinGen allele CA2164404.